The following is an entry in ClinVar:

NM_004415.4(DSP):c.4270A>G (p.Arg1424Gly)

Gene: DSP (desmoplakin; plus strand). Cytogenetic location: 6p24.3.
Variant type: single nucleotide variant.
Coding change: c.4270A>G on transcript NM_004415.4 (MANE Select); coding-DNA position 4270, A replaced by G.
Protein change: p.Arg1424Gly; replaces arginine 1424 with glycine.
Molecular consequence: missense variant. On other transcripts: intron variant (2).
Genome position (GRCh38, 1-based): chr6:7,580,460, A>G. VCF-style: chr6-7580460-A-G. GRCh37 (hg19) VCF-style: chr6-7580693-A-G.
Other names: c.4050+220A>G (NM_001319034.2); c.3582+688A>G (NM_001008844.3); short protein forms R1424G.
Identifiers: ClinVar variation 3842696 (VCV003842696.1).

ClinVar aggregate classification (germline): Uncertain significance (1 of 4 stars; one submission).

Conditions:
Cardiovascular phenotype. Identifiers: MedGen CN230736.

Submission:

Ambry Genetics
Classification: Uncertain significance for Cardiovascular phenotype. Last evaluated: 2025-01-27. Review status: criteria provided, single submitter. Criteria: Ambry Variant Classification Scheme 2023. Collection method: clinical testing. Allele origin: germline.
Comment: The p.R1424G variant (also known as c.4270A>G), located in coding exon 23 of the DSP gene, results from an A to G substitution at nucleotide position 4270. The arginine at codon 1424 is replaced by glycine, an amino acid with dissimilar properties. This amino acid position is conserved. In addition, the in silico prediction for this alteration is inconclusive. Based on the available evidence, the clinical significance of this variant remains unclear.